The following is an entry in ClinVar:

NM_058216.3(RAD51C):c.827A>C (p.His276Pro)

Gene: RAD51C (RAD51 paralog C; plus strand). Cytogenetic location: 17q22.
Variant type: single nucleotide variant.
Coding change: c.827A>C on transcript NM_058216.3 (MANE Select); coding-DNA position 827, A replaced by C.
Protein change: p.His276Pro; replaces histidine 276 with proline.
Molecular consequence: missense variant. On other transcripts: non-coding transcript variant (1).
Genome position (GRCh38, 1-based): chr17:58,709,980, A>C. VCF-style: chr17-58709980-A-C. GRCh37 (hg19) VCF-style: chr17-56787341-A-C.
Other names: short protein forms H276P.
Identifiers: ClinVar variation 864671 (VCV000864671.9), dbSNP rs1567799913, ClinGen allele CA400354432.

ClinVar aggregate classification (germline): Uncertain significance (1 of 4 stars; one submission).

Conditions:
Fanconi anemia complementation group O. Also called: RAD51C-Related Fanconi Anemia. Identifiers: Orphanet 84, MedGen C3150653, MONDO:0013248, OMIM 613390.

Submission:

Labcorp Genetics (formerly Invitae), Labcorp
Classification: Uncertain significance for Fanconi anemia complementation group O. Last evaluated: 2020-12-20. Review status: criteria provided, single submitter. Criteria: Invitae Variant Classification Sherloc (09022015). Collection method: clinical testing. Allele origin: germline.
Comment: In summary, the available evidence is currently insufficient to determine the role of this variant in disease. Therefore, it has been classified as a Variant of Uncertain Significance. This sequence change replaces histidine with proline at codon 276 of the RAD51C protein (p.His276Pro). The histidine residue is moderately conserved and there is a moderate physicochemical difference between histidine and proline. This variant is not present in population databases (ExAC no frequency). This variant has not been reported in the literature in individuals with RAD51C-related conditions. Algorithms developed to predict the effect of missense changes on protein structure and function are either unavailable or do not agree on the potential impact of this missense change (SIFT: "Deleterious"; PolyPhen-2: "Possibly Damaging"; Align-GVGD: "Class C0").